The following is an entry in ClinVar:

ClinVar aggregate classification (germline): Pathogenic/Likely pathogenic. Review status: criteria provided, multiple submitters, no conflicts (2 of 4 stars). 3 submissions from 3 submitters: Pathogenic (1); Likely pathogenic (1). 1 of the submissions does not count toward it. Last evaluated 2024-01-03.

Conditions:
Spastic paraplegia. Identifiers: MedGen C0037772, HP:0001258.
Charlevoix-Saguenay spastic ataxia (SACS). Also called: AUTOSOMAL RECESSIVE SPASTIC ATAXIA OF CHARLEVOIX-SAGUENAY; SPASTIC ATAXIA 6, AUTOSOMAL RECESSIVE; Spastic ataxia of Charlevoix-Saguenay. Identifiers: Orphanet 98, MedGen C1849140, MONDO:0010041, OMIM 270550.

Submissions (3):

Fulgent Genetics
Classification: Likely pathogenic for Charlevoix-Saguenay spastic ataxia. Last evaluated: 2024-01-03. Review status: criteria provided, single submitter. Criteria: ACMG Guidelines, 2015. Collection method: clinical testing. Allele origin: germline.

Labcorp Genetics (formerly Invitae), Labcorp
Classification: Pathogenic for Spastic paraplegia. Last evaluated: 2023-03-29. Review status: criteria provided, single submitter. Criteria: Invitae Variant Classification Sherloc (09022015). Collection method: clinical testing. Allele origin: germline.
Comment: This sequence change creates a premature translational stop signal (p.Glu380Argfs*6) in the SACS gene. It is expected to result in an absent or disrupted protein product. Loss-of-function variants in SACS are known to be pathogenic (PMID: 18465152, 20876471). This variant is not present in population databases (gnomAD no frequency). This variant has not been reported in the literature in individuals affected with SACS-related conditions. ClinVar contains an entry for this variant (Variation ID: 371078). For these reasons, this variant has been classified as Pathogenic.

Counsyl
Classification: Likely pathogenic for Charlevoix-Saguenay spastic ataxia. Last evaluated: 2016-06-21. Review status: no assertion criteria provided. Collection method: clinical testing. Allele origin: unknown. Not counted in ClinVar's aggregate classification.

Literature cited by the submitters: PubMed 18465152 (cited by Labcorp Genetics (formerly Invitae), Labcorp); PubMed 20876471 (cited by Labcorp Genetics (formerly Invitae), Labcorp).

NM_014363.6(SACS):c.1137dup (p.Glu380fs)

Gene: SACS (sacsin molecular chaperone; minus strand). Cytogenetic location: 13q12.12.
Variant type: Duplication.
Coding change: c.1137dup on transcript NM_014363.6 (MANE Select); coding-DNA position 1137, one base duplicated (A; older notation c.1137dupA).
Protein change: p.Glu380fs; shifts the reading frame from glutamic acid 380.
Molecular consequence: frameshift variant.
Genome position (GRCh38, 1-based): chr13:23,355,475, T duplicated on the plus strand (A on the coding strand, the reverse complement: SACS is on the minus strand). VCF-style (leftmost placement, unchanged base first): chr13-23355474-C-CT. GRCh37 (hg19) VCF-style: chr13-23929613-C-CT.
Other names: c.696dup, p.Glu233fs (NM_001278055.2); short protein forms E380fs, E233fs.
Identifiers: ClinVar variation 371078 (VCV000371078.9), dbSNP rs1057516987, ClinGen allele CA16041655.